The following is an entry in ClinVar:

ClinVar aggregate classification (germline): Pathogenic. Review status: reviewed by expert panel (3 of 4 stars). 4 submissions from 4 submitters: Pathogenic (1). 3 of the submissions do not count toward it. Last evaluated 2016-10-18.

Conditions:
Hereditary cancer-predisposing syndrome. Also called: Hereditary neoplastic syndrome; Neoplastic Syndromes, Hereditary; Tumor predisposition; Hereditary Cancer Syndrome. Identifiers: Orphanet 140162, MedGen C0027672, MeSH D009386, MONDO:0015356.
Breast-ovarian cancer, familial, susceptibility to, 2 (BROVCA2). Also called: BRCA2 Hereditary Breast and Ovarian Cancer. Identifiers: Orphanet 145, MedGen C2675520, MONDO:0012933, OMIM 612555. Disease mechanism: loss of function.
Hereditary breast ovarian cancer syndrome. Also called: BRCA1- and BRCA2-Associated Hereditary Breast and Ovarian Cancer; Hereditary breast and ovarian cancer; Breast and ovarian cancer; Hereditary breast and/or ovarian cancer syndrome; Hereditary breast and ovarian cancer syndrome; Hereditary breast and ovarian cancer syndrome (HBOC). Identifiers: Orphanet 145, MedGen C0677776, MeSH D061325, MONDO:0003582. Disease mechanism: loss of function.

Submissions (4):

Evidence-based Network for the Interpretation of Germline Mutant Alleles (ENIGMA)
Classification: Pathogenic for Breast-ovarian cancer, familial, susceptibility to, 2. Last evaluated: 2016-10-18. Review status: reviewed by expert panel. Criteria: ENIGMA BRCA1/2 Classification Criteria (2015). Collection method: curation. Allele origin: germline.
Comment: Variant allele predicted to encode a truncated non-functional protein.

Labcorp Genetics (formerly Invitae), Labcorp
Classification: Pathogenic for Hereditary breast ovarian cancer syndrome. Last evaluated: 2023-12-08. Review status: criteria provided, single submitter. Criteria: Invitae Variant Classification Sherloc (09022015). Collection method: clinical testing. Allele origin: germline. Not counted in ClinVar's aggregate classification.
Comment: This sequence change creates a premature translational stop signal (p.Met3118Tyrfs*32) in the BRCA2 gene. It is expected to result in an absent or disrupted protein product. Loss-of-function variants in BRCA2 are known to be pathogenic (PMID: 20104584). This variant is not present in population databases (gnomAD no frequency). This variant has not been reported in the literature in individuals affected with BRCA2-related conditions. ClinVar contains an entry for this variant (Variation ID: 267154). For these reasons, this variant has been classified as Pathogenic.

Ambry Genetics
Classification: Pathogenic for Hereditary cancer-predisposing syndrome. Last evaluated: 2023-05-18. Review status: criteria provided, single submitter. Criteria: Ambry Variant Classification Scheme 2023. Collection method: clinical testing. Allele origin: germline. Not counted in ClinVar's aggregate classification.
Comment: The c.9351dupT pathogenic mutation, located in coding exon 24 of the BRCA2 gene, results from a duplication of T at nucleotide position 9351, causing a translational frameshift with a predicted alternate stop codon (p.M3118Yfs*32). This alteration was identified in a large, worldwide study of BRCA1/2 mutation positive families (Rebbeck TR et al. Hum Mutat, 2018 May;39:593-620). This variant is considered to be rare based on population cohorts in the Genome Aggregation Database (gnomAD). In addition to the clinical data presented in the literature, this alteration is expected to result in loss of function by premature protein truncation or nonsense-mediated mRNA decay. As such, this alteration is interpreted as a disease-causing mutation.

Consortium of Investigators of Modifiers of BRCA1/2 (CIMBA), c/o University of Cambridge
Classification: Pathogenic for Breast-ovarian cancer, familial, susceptibility to, 2. Last evaluated: 2015-10-02. Review status: criteria provided, single submitter. Criteria: CIMBA Mutation Classification guidelines May 2016. Collection method: clinical testing. Allele origin: germline. Not counted in ClinVar's aggregate classification.

Literature cited by the submitters: PubMed 20104584 (cited by Labcorp Genetics (formerly Invitae), Labcorp); PubMed 29446198 (cited by Ambry Genetics).

NM_000059.4(BRCA2):c.9351dup (p.Met3118fs)

Gene: BRCA2 (BRCA2 DNA repair associated; plus strand). Cytogenetic location: 13q13.1.
Variant type: Duplication.
Coding change: c.9351dup on transcript NM_000059.4 (MANE Select); coding-DNA position 9351, one base duplicated (T; older notation c.9351dupT).
Protein change: p.Met3118fs; shifts the reading frame from methionine 3118.
Molecular consequence: frameshift variant.
Genome position (GRCh38, 1-based): chr13:32,394,783, T duplicated. VCF-style (leftmost placement, unchanged base first): chr13-32394782-A-AT. GRCh37 (hg19) VCF-style: chr13-32968919-A-AT.
Other names: 9579insT; c.9351dupT (NM_000059.3); short protein forms M3118fs.
Identifiers: ClinVar variation 267154 (VCV000267154.14), dbSNP rs886040833, ClinGen allele CA10589560.